The following is an entry in ClinVar:

NM_001127222.2(CACNA1A):c.5182G>A (p.Asp1728Asn)

Gene: CACNA1A (calcium voltage-gated channel subunit alpha1 A; minus strand). Cytogenetic location: 19p13.13.
Variant type: single nucleotide variant.
Coding change: c.5182G>A on transcript NM_001127222.2 (MANE Select); coding-DNA position 5182, G replaced by A.
Protein change: p.Asp1728Asn; replaces aspartic acid 1728 with asparagine.
Molecular consequence: missense variant.
Genome position (GRCh38, 1-based): chr19:13,234,988, C>T on the plus strand (G>A on the coding strand, the complement: CACNA1A is on the minus strand). VCF-style: chr19-13234988-C-T. GRCh37 (hg19) VCF-style: chr19-13345802-C-T.
Other names: c.5200G>A, p.Asp1734Asn (NM_000068.4, NM_023035.3); c.5185G>A, p.Asp1729Asn (NM_001127221.2); c.5191G>A, p.Asp1731Asn (NM_001174080.2); short protein forms D1728N, D1729N, D1731N, D1734N.
Identifiers: ClinVar variation 1314767 (VCV001314767.8), dbSNP rs1436816057, ClinGen allele CA404335669.

ClinVar aggregate classification (germline): Uncertain significance. Review status: criteria provided, multiple submitters, no conflicts (2 of 4 stars). 2 submissions from 2 submitters: Uncertain significance (2). Last evaluated 2025-10-10.

Conditions:
Episodic ataxia type 2 (EA2). Also called: ATAXIA, EPISODIC, WITH NYSTAGMUS; ATAXIA, FAMILIAL PAROXYSMAL; CEREBELLAR ATAXIA, PAROXYSMAL, ACETAZOLAMIDE-RESPONSIVE; CEREBELLOPATHY, HEREDITARY PAROXYSMAL; EPISODIC ATAXIA, NYSTAGMUS-ASSOCIATED; ACETAZOLAMIDE-RESPONSIVE HEREDITARY PAROXYSMAL CEREBELLAR ATAXIA. Identifiers: Orphanet 97, MedGen C1720416, MONDO:0007163, OMIM 108500.
Developmental and epileptic encephalopathy, 42 (DEE42A). Also called: Epileptic encephalopathy, early infantile, 42; DEVELOPMENTAL AND EPILEPTIC ENCEPHALOPATHY 42A; EPILEPTIC ENCEPHALOPATHY, EARLY INFANTILE, 42A. Identifiers: MedGen C4310716, MONDO:0014917, OMIM 617106.

Allele frequency attached by ClinVar (database versions not stated): gnomAD exomes below 0.00001; TOPMed below 0.00001.
gnomAD v4.1: 2 of 1,613,966 alleles (0.00012%); highest among the groups gnomAD compares: Non-Finnish European, 0.00017%; no homozygotes.

Submissions (2):

GeneDx
Classification: Uncertain significance. Last evaluated: 2025-10-10. Review status: criteria provided, single submitter. Criteria: GeneDx Variant Classification Process June 2021. Collection method: clinical testing. Allele origin: germline. Affected: yes.
Comment: Not observed at significant frequency in large population cohorts (gnomAD); In silico analysis supports that this missense variant has a deleterious effect on protein structure/function; Has not been previously published as pathogenic or benign to our knowledge

Labcorp Genetics (formerly Invitae), Labcorp
Classification: Uncertain significance for Developmental and epileptic encephalopathy, 42; Episodic ataxia type 2. Last evaluated: 2024-10-15. Review status: criteria provided, single submitter. Criteria: Invitae Variant Classification Sherloc (09022015). Collection method: clinical testing. Allele origin: germline.
Comment: This sequence change replaces aspartic acid, which is acidic and polar, with asparagine, which is neutral and polar, at codon 1729 of the CACNA1A protein (p.Asp1729Asn). This variant is present in population databases (no rsID available, gnomAD 0.0009%). This variant has not been reported in the literature in individuals affected with CACNA1A-related conditions. ClinVar contains an entry for this variant (Variation ID: 1314767). Invitae Evidence Modeling of protein sequence and biophysical properties (such as structural, functional, and spatial information, amino acid conservation, physicochemical variation, residue mobility, and thermodynamic stability) has been performed for this missense variant. However, the output from this modeling did not meet the statistical confidence thresholds required to predict the impact of this variant on CACNA1A protein function. In summary, the available evidence is currently insufficient to determine the role of this variant in disease. Therefore, it has been classified as a Variant of Uncertain Significance.